The following is an entry in ClinVar:

ClinVar aggregate classification (germline): Uncertain significance (1 of 4 stars; one submission).

Conditions:
Gnathodiaphyseal dysplasia (GDD). Also called: GNATHODIAPHYSEAL SCLEROSIS; OSTEOGENESIS IMPERFECTA WITH UNUSUAL SKELETAL LESIONS. Identifiers: Orphanet 53697, MedGen C1833736, MONDO:0008151, OMIM 166260.
Autosomal recessive limb-girdle muscular dystrophy type 2L (LGMDR12). Also called: Limb-girdle muscular dystrophy, type 2L; Limb-Girdle Muscular Dystrophy R12 Anoctamin-5-Related (LGMD-R12); MUSCULAR DYSTROPHY, LIMB-GIRDLE, AUTOSOMAL RECESSIVE 12. Identifiers: Orphanet 206549, MedGen C1969785, MONDO:0012652, OMIM 611307.

gnomAD v4.1: 3 of 1,613,546 alleles (0.00019%); highest among the groups gnomAD compares: Non-Finnish European, 0.00025%; no homozygotes.

Submission:

Labcorp Genetics (formerly Invitae), Labcorp
Classification: Uncertain significance for Autosomal recessive limb-girdle muscular dystrophy type 2L; Gnathodiaphyseal dysplasia. Last evaluated: 2022-08-15. Review status: criteria provided, single submitter. Criteria: Invitae Variant Classification Sherloc (09022015). Collection method: clinical testing. Allele origin: germline.
Comment: ClinVar contains an entry for this variant (Variation ID: 1442099). Advanced modeling of protein sequence and biophysical properties (such as structural, functional, and spatial information, amino acid conservation, physicochemical variation, residue mobility, and thermodynamic stability) performed at Invitae indicates that this missense variant is not expected to disrupt ANO5 protein function. This variant has not been reported in the literature in individuals affected with ANO5-related conditions. In summary, the available evidence is currently insufficient to determine the role of this variant in disease. Therefore, it has been classified as a Variant of Uncertain Significance. This sequence change replaces glycine, which is neutral and non-polar, with valine, which is neutral and non-polar, at codon 171 of the ANO5 protein (p.Gly171Val). This variant is not present in population databases (gnomAD no frequency).

NM_213599.3(ANO5):c.512G>T (p.Gly171Val)

Gene: ANO5 (anoctamin 5; plus strand). Cytogenetic location: 11p14.3.
Variant type: single nucleotide variant.
Coding change: c.512G>T on transcript NM_213599.3 (MANE Select); coding-DNA position 512, G replaced by T.
Protein change: p.Gly171Val; replaces glycine 171 with valine.
Molecular consequence: missense variant.
Genome position (GRCh38, 1-based): chr11:22,227,450, G>T. VCF-style: chr11-22227450-G-T. GRCh37 (hg19) VCF-style: chr11-22248996-G-T.
Other names: c.509G>T, p.Gly170Val (NM_001142649.2); short protein forms G171V, G170V.
Identifiers: ClinVar variation 1442099 (VCV001442099.9), dbSNP rs977056246, ClinGen allele CA379919807.